The following is an entry in ClinVar:

NM_001039141.3(TRIOBP):c.2735G>A (p.Arg912Gln)

Gene: TRIOBP (TRIO and F-actin binding protein; plus strand). Cytogenetic location: 22q13.1.
Variant type: single nucleotide variant.
Coding change: c.2735G>A on transcript NM_001039141.3 (MANE Select); coding-DNA position 2735, G replaced by A.
Protein change: p.Arg912Gln; replaces arginine 912 with glutamine.
Molecular consequence: missense variant.
Genome position (GRCh38, 1-based): chr22:37,725,291, G>A. VCF-style: chr22-37725291-G-A. GRCh37 (hg19) VCF-style: chr22-38121298-G-A.
Other names: short protein forms R912Q.
Identifiers: ClinVar variation 2662864 (VCV002662864.1), dbSNP rs747817595, ClinGen allele CA10223955.

ClinVar aggregate classification (germline): Uncertain significance (1 of 4 stars; one submission).

Allele frequency attached by ClinVar (database versions not stated): ExAC 0.00001; TOPMed 0.00002; gnomAD 0.00003.
gnomAD v4.1: 9 of 1,613,624 alleles (0.00056%); highest among the groups gnomAD compares: Admixed American, 0.0017%; no homozygotes.

Submission:

GeneDx
Classification: Uncertain significance. Last evaluated: 2023-04-14. Review status: criteria provided, single submitter. Criteria: GeneDx Variant Classification Process June 2021. Collection method: clinical testing. Allele origin: germline. Affected: yes.
Comment: Not observed at significant frequency in large population cohorts (gnomAD); In silico analysis supports that this missense variant does not alter protein structure/function; Has not been previously published as pathogenic or benign to our knowledge